The following is an entry in ClinVar:

NM_206933.4(USH2A):c.789_798del (p.Glu264fs)

Gene: USH2A (usherin; minus strand). Cytogenetic location: 1q41.
Variant type: Deletion.
Coding change: c.789_798del on transcript NM_206933.4 (MANE Select); coding-DNA positions 789 to 798, 10 bases deleted (AGAGCAGTTT; older notation c.789_798delAGAGCAGTTT).
Protein change: p.Glu264fs; shifts the reading frame from glutamic acid 264.
Molecular consequence: frameshift variant.
Genome position (GRCh38, 1-based): chr1:216,327,641-216,327,650, AAACTGCTCT deleted on the plus strand (AGAGCAGTTT on the coding strand, the reverse complement: USH2A is on the minus strand); deleting any 10 consecutive bases within chr1:216,327,641-216,327,654 gives the same sequence; the c. name uses the placement nearest the transcript's 3' end. VCF-style (leftmost placement, unchanged base first): chr1-216327640-CAAACTGCTCT-C. GRCh37 (hg19) VCF-style: chr1-216500982-CAAACTGCTCT-C.
Other names: c.789_798del, p.Glu264fs (NM_007123.6); short protein forms E264fs.
Identifiers: ClinVar variation 3236452 (VCV003236452.2), dbSNP rs2527445568, ClinGen allele CA2825000921.

ClinVar aggregate classification (germline): Likely pathogenic (1 of 4 stars; one submission).

Conditions:
Retinitis pigmentosa 39 (RP39). Identifiers: Orphanet 791, MedGen C3151138, MONDO:0013436, OMIM 613809.

Submission:

Neuberg Centre For Genomic Medicine, NCGM
Classification: Likely pathogenic for Retinitis pigmentosa 39. Review status: criteria provided, single submitter. Criteria: ACMG Guidelines, 2015. Collection method: clinical testing. Allele origin: germline. Inheritance: Autosomal recessive inheritance. Affected: yes.
Comment: The frame shift c.789_798del p.Glu264SerfsTer69 variant in USH2A gene has not been reported previously as a pathogenic variant nor as a benign variant, to our knowledge. The p.Glu264SerfsTer69 variant is novel not in any individuals in gnomAD Exomes and 1000 Genomes. This variant has not been reported to the ClinVar database. This variant causes a frameshift starting with codon Glutamic Acid 264, changes this amino acid to Serine residue, and creates a premature Stop codon at position 69 of the new reading frame, denoted p.Glu264SerfsTer69. This variant is predicted to cause loss of normal protein function through protein truncation. Loss of function variants have been previously reported to be disease causing. For these reasons, this variant has been classified as Likely Pathogenic.